The following is an entry in ClinVar:

ClinVar aggregate classification (germline): Conflicting classifications of pathogenicity. Review status: criteria provided, conflicting classifications (1 of 4 stars). 4 submissions from 4 submitters: Uncertain significance (1); Likely benign (2). 1 of the submissions does not count toward it. Last evaluated 2025-08-04.

Conditions:
TRPM1-related disorder. Also called: TRPM1-related condition.
Congenital stationary night blindness 1C. Also called: Night blindness, congenital stationary (complete), 1C, autosomal recessive. Identifiers: Orphanet 215, MedGen C2750747, MONDO:0013183, OMIM 613216.

Allele frequency attached by ClinVar (database versions not stated): ExAC 0.00005; gnomAD 0.00005; gnomAD exomes 0.00005 and 0.00010; TOPMed 0.00005; ESP Exome Variant Server 0.00008.
gnomAD v4.1: 145 of 1,614,048 alleles (0.009%); highest among the groups gnomAD compares: Non-Finnish European, 0.012%; no homozygotes.

Submissions (4):

Labcorp Genetics (formerly Invitae), Labcorp
Classification: Likely benign. Last evaluated: 2025-08-04. Review status: criteria provided, single submitter. Criteria: Invitae Variant Classification Sherloc (09022015). Collection method: clinical testing. Allele origin: germline.

Blueprint Genetics
Classification: Likely benign. Last evaluated: 2024-06-19. Review status: criteria provided, single submitter. Criteria: ACMG Guidelines, 2015. Collection method: clinical testing. Allele origin: germline.

Illumina Laboratory Services, Illumina
Classification: Uncertain significance for Congenital stationary night blindness 1C. Last evaluated: 2018-01-15. Review status: criteria provided, single submitter. Criteria: ICSL Variant Classification Criteria 13 December 2019. Collection method: clinical testing. Allele origin: germline.

PreventionGenetics, part of Exact Sciences
Classification: Likely benign for TRPM1-related condition. Last evaluated: 2020-02-19. Review status: no assertion criteria provided. Collection method: clinical testing. Allele origin: germline. Not counted in ClinVar's aggregate classification.
Comment: This variant is classified as likely benign based on ACMG/AMP sequence variant interpretation guidelines (Richards et al. 2015 PMID: 25741868, with internal and published modifications).

NM_001252024.2(TRPM1):c.1890C>T (p.Phe630=)

Gene: TRPM1 (transient receptor potential cation channel subfamily M member 1; minus strand). Cytogenetic location: 15q13.3.
Variant type: single nucleotide variant.
Coding change: c.1890C>T on transcript NM_001252024.2 (MANE Select); coding-DNA position 1890, C replaced by T.
Protein change: p.Phe630=; no amino-acid change (phenylalanine 630 retained).
Molecular consequence: synonymous variant.
Genome position (GRCh38, 1-based): chr15:31,042,148, G>A on the plus strand (C>T on the coding strand, the complement: TRPM1 is on the minus strand). VCF-style: chr15-31042148-G-A. GRCh37 (hg19) VCF-style: chr15-31334351-G-A.
Other names: c.1941C>T, p.Phe647= (NM_001252020.2); c.1824C>T, p.Phe608= (NM_002420.6); c.1941C>T (NM_001252020.1).
Identifiers: ClinVar variation 887382 (VCV000887382.15), dbSNP rs369315253, ClinGen allele CA7452369.